The following is an entry in ClinVar:

NM_018076.5(ODAD2):c.2437C>T (p.Leu813Phe)

Gene: ODAD2 (outer dynein arm docking complex subunit 2; minus strand). Cytogenetic location: 10p12.1.
Variant type: single nucleotide variant.
Coding change: c.2437C>T on transcript NM_018076.5 (MANE Select); coding-DNA position 2437, C replaced by T.
Protein change: p.Leu813Phe; replaces leucine 813 with phenylalanine.
Molecular consequence: missense variant.
Genome position (GRCh38, 1-based): chr10:27,935,068, G>A on the plus strand (C>T on the coding strand, the complement: ODAD2 is on the minus strand). VCF-style: chr10-27935068-G-A. GRCh37 (hg19) VCF-style: chr10-28223997-G-A.
Other names: c.2437C>T, p.Leu813Phe (NM_001290020.2); c.1012C>T, p.Leu338Phe (NM_001290021.2); c.1513C>T, p.Leu505Phe (NM_001312689.2); short protein forms L338F, L505F, L813F.
Identifiers: ClinVar variation 4999679 (VCV004999679.1).

ClinVar aggregate classification (germline): Uncertain significance (1 of 4 stars; one submission).

Conditions:
ODAD2-related disorder. Also called: ODAD2-related condition.

Submission:

PreventionGenetics, part of Exact Sciences
Classification: Uncertain significance for ODAD2-related condition. Last evaluated: 2025-10-06. Review status: criteria provided, single submitter. Criteria: ACMG Guidelines, 2015. Collection method: clinical testing. Allele origin: germline.
Comment: The ODAD2 c.2437C>T variant is predicted to result in the amino acid substitution p.Leu813Phe. To our knowledge, this variant has not been reported in the literature or in a large population database (gnomAD), indicating this variant is rare. At this time, the clinical significance of this variant is uncertain due to the absence of conclusive functional and genetic evidence.